The following is an entry in ClinVar:

ClinVar aggregate classification (germline): Uncertain significance. Review status: criteria provided, multiple submitters, no conflicts (2 of 4 stars). 7 submissions from 6 submitters: Uncertain significance (6). 1 of the submissions does not count toward it. Last evaluated 2025-12-31.

Conditions:
CDH23-related disorder. Also called: CDH23-related condition; CDH23-related disorders.
Usher syndrome type 1 (USH1). Also called: RETINITIS PIGMENTOSA AND CONGENITAL DEAFNESS. Identifiers: Orphanet 231169, Orphanet 886, MedGen C1568247, MONDO:0010168, OMIM 276900.
Autosomal recessive nonsyndromic hearing loss 12. Also called: DEAFNESS, AUTOSOMAL RECESSIVE 12. Identifiers: Orphanet 90636, MedGen C1832394, MONDO:0011067, OMIM 601386.
Usher syndrome type 1D (USH1D). Also called: USHER SYNDROME, TYPE ID. Identifiers: Orphanet 231169, Orphanet 886, MedGen C1832845, MONDO:0010984, OMIM 601067.

Allele frequency attached by ClinVar (database versions not stated): ExAC 0.00001; gnomAD exomes 0.00001; gnomAD 0.00003 and 0.00004; TOPMed 0.00004; ESP Exome Variant Server 0.00008.
gnomAD v4.1: 28 of 1,613,750 alleles (0.0017%); highest among the groups gnomAD compares: Admixed American, 0.0067%; no homozygotes.

Submissions (7):

PreventionGenetics, part of Exact Sciences
Classification: Uncertain significance for CDH23-related condition. Last evaluated: 2025-12-31. Review status: criteria provided, single submitter. Criteria: ACMG Guidelines, 2015. Collection method: clinical testing. Allele origin: germline.
Comment: The CDH23 c.5519G>A variant is predicted to result in the amino acid substitution p.Arg1840Gln. To our knowledge, this variant has not been reported in the literature. This variant is reported in 0.0029% of alleles in individuals of Latino descent in gnomAD. At this time, the clinical significance of this variant is uncertain due to the absence of conclusive functional and genetic evidence.

GeneDx
Classification: Uncertain significance. Last evaluated: 2025-12-02. Review status: criteria provided, single submitter. Criteria: GeneDx Variant Classification Process June 2021. Collection method: clinical testing. Allele origin: germline. Affected: yes.
Comment: Not observed at significant frequency in large population cohorts (gnomAD); In silico analysis supports that this missense variant does not alter protein structure/function; Has not been previously published as pathogenic or benign to our knowledge; In silico analysis suggests this variant may impact gene splicing. In the absence of RNA/functional studies, the actual effect of this sequence change is unknown.

Labcorp Genetics (formerly Invitae), Labcorp
Classification: Uncertain significance. Last evaluated: 2022-05-25. Review status: criteria provided, single submitter. Criteria: Invitae Variant Classification Sherloc (09022015). Collection method: clinical testing. Allele origin: germline.
Comment: This sequence change replaces arginine, which is basic and polar, with glutamine, which is neutral and polar, at codon 1840 of the CDH23 protein (p.Arg1840Gln). This variant is present in population databases (rs375083901, gnomAD 0.003%). This variant has not been reported in the literature in individuals affected with CDH23-related conditions. ClinVar contains an entry for this variant (Variation ID: 228497). Algorithms developed to predict the effect of missense changes on protein structure and function are either unavailable or do not agree on the potential impact of this missense change (SIFT: "Deleterious"; PolyPhen-2: "Not Available"; Align-GVGD: "Class C35"). Algorithms developed to predict the effect of sequence changes on RNA splicing suggest that this variant may create or strengthen a splice site. In summary, the available evidence is currently insufficient to determine the role of this variant in disease. Therefore, it has been classified as a Variant of Uncertain Significance.

Illumina Laboratory Services, Illumina
Classification: Uncertain significance for Autosomal recessive nonsyndromic hearing loss 12. Last evaluated: 2018-01-13. Review status: criteria provided, single submitter. Criteria: ICSL Variant Classification Criteria 13 December 2019. Collection method: clinical testing. Allele origin: germline.

Illumina Laboratory Services, Illumina
Classification: Uncertain significance for Usher syndrome type 1D. Last evaluated: 2018-01-13. Review status: criteria provided, single submitter. Criteria: ICSL Variant Classification Criteria 13 December 2019. Collection method: clinical testing. Allele origin: germline.

Laboratory for Molecular Medicine, Mass General Brigham Personalized Medicine
Classification: Uncertain significance. Last evaluated: 2015-10-05. Review status: criteria provided, single submitter. Criteria: LMM Criteria. Collection method: clinical testing. Allele origin: germline. Observed: 1 variant allele.
Comment: Variant classified as Uncertain Significance - Favor Benign. The p.Arg1840Gln va riant in CDH23 has not been previously reported in individuals with hearing loss , but has been identified in 1/11556 Latino chromosomes by the Exome Aggregation Consortium (ExAC; dbSNP rs375083901). Although this variant has been seen in the general population, its frequency is not high enough to rule out a pathogenic role. The arginine (Arg) at position 1840 is no t conserved through species, with 1 mammal (manatee) having a glutamine (Gln) at this position. Additional computational prediction tools suggest that this vari ant may impact the protein, though this information is not predictive enough to determine pathogenicity. In summary, while the clinical significance of the p.Ar g1840Gln variant is uncertain, the lack of evolutionarily conservation suggests that it is more likely to be benign.

Natera, Inc.
Classification: Uncertain significance for Usher syndrome type 1. Last evaluated: 2019-10-28. Review status: no assertion criteria provided. Collection method: clinical testing. Allele origin: germline. Not counted in ClinVar's aggregate classification.

NM_022124.6(CDH23):c.5519G>A (p.Arg1840Gln)

Gene: CDH23 (cadherin related 23; plus strand). Cytogenetic location: 10q22.1.
Variant type: single nucleotide variant.
Coding change: c.5519G>A on transcript NM_022124.6 (MANE Select); coding-DNA position 5519, G replaced by A.
Protein change: p.Arg1840Gln; replaces arginine 1840 with glutamine.
Molecular consequence: missense variant.
Genome position (GRCh38, 1-based): chr10:71,784,907, G>A. VCF-style: chr10-71784907-G-A. GRCh37 (hg19) VCF-style: chr10-73544664-G-A.
Other names: short protein forms R1840Q.
Identifiers: ClinVar variation 228497 (VCV000228497.15), dbSNP rs375083901, ClinGen allele CA5545803.